The following is an entry in ClinVar:

ClinVar aggregate classification (germline): Uncertain significance (1 of 4 stars; one submission).

gnomAD v4.1: 1 of 1,607,514 alleles (0.000062%); highest among the groups gnomAD compares: Non-Finnish European, 0.000085%; no homozygotes.

Submission:

CeGaT Center for Human Genetics Tuebingen
Classification: Uncertain significance. Last evaluated: 2025-10-01. Review status: criteria provided, single submitter. Criteria: CeGaT Center For Human Genetics Tuebingen Variant Classification Criteria Version 2. Collection method: clinical testing. Allele origin: germline. Affected: yes. Observed: 1 variant allele.
Comment: RRAS2: PM2, PP3

NM_012250.6(RRAS2):c.191T>C (p.Leu64Pro)

Gene: RRAS2 (RAS related 2; minus strand). Cytogenetic location: 11p15.2.
Variant type: single nucleotide variant.
Coding change: c.191T>C on transcript NM_012250.6 (MANE Select); coding-DNA position 191, T replaced by C.
Protein change: p.Leu64Pro; replaces leucine 64 with proline.
Molecular consequence: missense variant. On other transcripts: 5 prime UTR variant (9).
Genome position (GRCh38, 1-based): chr11:14,295,773, A>G on the plus strand (T>C on the coding strand, the complement: RRAS2 is on the minus strand). VCF-style: chr11-14295773-A-G. GRCh37 (hg19) VCF-style: chr11-14317319-A-G.
Other names: c.-41T>C (NM_001102669.3, NM_001177315.2, NM_001440709.1 and 6 more transcripts); c.86T>C, p.Leu29Pro (NM_001177314.2); c.191T>C, p.Leu64Pro (NM_001440708.1); short protein forms L29P, L64P.
Identifiers: ClinVar variation 4535036 (VCV004535036.6).